The following is an entry in ClinVar:

ClinVar aggregate classification (germline): Likely benign (0 of 4 stars; one submission).

Conditions:
GPRASP2-related disorder. Also called: GPRASP2-related condition.

Allele frequency attached by ClinVar (database versions not stated): TOPMed 0.00057; ESP Exome Variant Server 0.00085; gnomAD 0.00088; gnomAD exomes 0.00096; ExAC 0.00155.
gnomAD v4.1: 1,173 of 1,210,269 alleles (0.097%); highest among the groups gnomAD compares: Middle Eastern, 0.12%; 1 homozygote.

Submission:

PreventionGenetics, part of Exact Sciences
Classification: Likely benign for GPRASP2-related condition. Last evaluated: 2019-03-08. Review status: no assertion criteria provided. Collection method: clinical testing. Allele origin: germline.
Comment: This variant is classified as likely benign based on ACMG/AMP sequence variant interpretation guidelines (Richards et al. 2015 PMID: 25741868, with internal and published modifications).

NM_001004051.4(GPRASP2):c.861G>A (p.Glu287=)

Genes: ARMCX5-GPRASP2 (ARMCX5-GPRASP2 readthrough; plus strand), GPRASP2 (G protein-coupled receptor associated sorting protein 2; plus strand). Cytogenetic location: Xq22.1.
Variant type: single nucleotide variant.
Coding change: c.861G>A on transcript NM_001004051.4 (MANE Select); coding-DNA position 861, G replaced by A.
Protein change: p.Glu287=; no amino-acid change (glutamic acid 287 retained).
Molecular consequence: synonymous variant. On other transcripts: intron variant (3).
Genome position (GRCh38, 1-based): chrX:102,715,730, G>A. VCF-style: chrX-102715730-G-A. GRCh37 (hg19) VCF-style: chrX-101970658-G-A.
Other names: c.861G>A, p.Glu287= (NM_001199818.1, NM_001184874.3, NM_001184875.3 and 2 more transcripts); c.-820+1464G>A (NM_001350268.2); c.-752+1464G>A (NM_001350269.2); c.-721+1464G>A (NM_001350270.1).
Identifiers: ClinVar variation 3039634 (VCV003039634.2), dbSNP rs146614457, ClinGen allele CA10476511.